The following is an entry in ClinVar:

NM_021625.5(TRPV4):c.980C>T (p.Ala327Val)

Gene: TRPV4 (transient receptor potential cation channel subfamily V member 4; minus strand). Cytogenetic location: 12q24.11.
Variant type: single nucleotide variant.
Coding change: c.980C>T on transcript NM_021625.5 (MANE Select); coding-DNA position 980, C replaced by T.
Protein change: p.Ala327Val; replaces alanine 327 with valine.
Molecular consequence: missense variant.
Genome position (GRCh38, 1-based): chr12:109,798,786, G>A on the plus strand (C>T on the coding strand, the complement: TRPV4 is on the minus strand). VCF-style: chr12-109798786-G-A. GRCh37 (hg19) VCF-style: chr12-110236591-G-A.
Other names: c.878C>T, p.Ala293Val (NM_001177431.2); c.839C>T, p.Ala280Val (NM_001177433.2, NM_001177428.2); c.980C>T, p.Ala327Val (NM_147204.3); short protein forms A280V, A293V, A327V.
Identifiers: ClinVar variation 1442783 (VCV001442783.8), dbSNP rs1179420073, ClinGen allele CA386654689.

ClinVar aggregate classification (germline): Uncertain significance (1 of 4 stars; one submission).

Conditions:
Charcot-Marie-Tooth disease axonal type 2C (HMSN2C). Also called: Charcot-Marie-Tooth Disease Type 2, TRPV4-Related (CMT2C); CHARCOT-MARIE-TOOTH DISEASE, AXONAL, AUTOSOMAL DOMINANT, TYPE 2C; Charcot-Marie-Tooth Neuropathy Type 2C. Identifiers: Orphanet 99937, MedGen C1853710, MONDO:0011633, OMIM 606071.

Allele frequency attached by ClinVar (database versions not stated): gnomAD exomes below 0.00001.
gnomAD v4.1: 5 of 1,614,178 alleles (0.00031%); highest among the groups gnomAD compares: African/African-American, 0.0013%; no homozygotes.

Submission:

Labcorp Genetics (formerly Invitae), Labcorp
Classification: Uncertain significance for Charcot-Marie-Tooth disease axonal type 2C. Last evaluated: 2022-09-27. Review status: criteria provided, single submitter. Criteria: Invitae Variant Classification Sherloc (09022015). Collection method: clinical testing. Allele origin: germline.
Comment: This variant is not present in population databases (gnomAD no frequency). This sequence change replaces alanine, which is neutral and non-polar, with valine, which is neutral and non-polar, at codon 327 of the TRPV4 protein (p.Ala327Val). In summary, the available evidence is currently insufficient to determine the role of this variant in disease. Therefore, it has been classified as a Variant of Uncertain Significance. Advanced modeling of protein sequence and biophysical properties (such as structural, functional, and spatial information, amino acid conservation, physicochemical variation, residue mobility, and thermodynamic stability) performed at Invitae indicates that this missense variant is not expected to disrupt TRPV4 protein function. ClinVar contains an entry for this variant (Variation ID: 1442783). This variant has not been reported in the literature in individuals affected with TRPV4-related conditions.